The following is an entry in ClinVar:

NM_152743.4(BRAT1):c.1461C>A (p.Cys487Ter)

Gene: BRAT1 (BRCA1 associated ATM activator 1; minus strand). Cytogenetic location: 7p22.3.
Variant type: single nucleotide variant.
Coding change: c.1461C>A on transcript NM_152743.4 (MANE Select); coding-DNA position 1461, C replaced by A.
Protein change: p.Cys487Ter; replaces cysteine 487 with a stop codon.
Molecular consequence: nonsense. On other transcripts: non-coding transcript variant (1).
Genome position (GRCh38, 1-based): chr7:2,539,823, G>T on the plus strand (C>A on the coding strand, the complement: BRAT1 is on the minus strand). VCF-style: chr7-2539823-G-T. GRCh37 (hg19) VCF-style: chr7-2579457-G-T.
Other names: c.1461C>A, p.Cys487Ter (NM_001350626.2); c.936C>A, p.Cys312Ter (NM_001350627.2); short protein forms C312*, C487*.
Identifiers: ClinVar variation 2114572 (VCV002114572.4), dbSNP rs906327946, ClinGen allele CA366628205.

ClinVar aggregate classification (germline): Pathogenic (1 of 4 stars; one submission).

Conditions:
Neonatal-onset encephalopathy with rigidity and seizures. Also called: Lethal neonatal spasticity-epileptic encephalopathy syndrome. Identifiers: Orphanet 435845, MedGen C3281029, MONDO:0013784, OMIM 614498.

Submission:

Labcorp Genetics (formerly Invitae), Labcorp
Classification: Pathogenic for Neonatal-onset encephalopathy with rigidity and seizures. Last evaluated: 2022-03-19. Review status: criteria provided, single submitter. Criteria: Invitae Variant Classification Sherloc (09022015). Collection method: clinical testing. Allele origin: germline.
Comment: This sequence change creates a premature translational stop signal (p.Cys487*) in the BRAT1 gene. It is expected to result in an absent or disrupted protein product. Loss-of-function variants in BRAT1 are known to be pathogenic (PMID: 22279524, 25500575). For these reasons, this variant has been classified as Pathogenic. This variant has not been reported in the literature in individuals affected with BRAT1-related conditions. This variant is not present in population databases (gnomAD no frequency).

Literature cited by the submitters: PubMed 22279524; PubMed 25500575.